The following is an entry in ClinVar:

ClinVar aggregate classification (germline): Benign. Review status: criteria provided, multiple submitters, no conflicts (2 of 4 stars). 4 submissions from 3 submitters: Benign (4). Last evaluated 2018-07-15.

Conditions:
Nephropathic cystinosis (CTNS). Also called: CYSTINOSIN, DEFECT OF; LYSOSOMAL CYSTINE TRANSPORT PROTEIN, DEFECT OF; Abderhalden Lignac Kaufmann disease; Abderhalden-Kaufmann-Lignac syndrome. Identifiers: Orphanet 213, Orphanet 411629, MedGen C2931187, MONDO:0100151, OMIM 219800.
Ocular cystinosis. Also called: Non-Nephropathic (Ocular) Cystinosis; Non-Nephropathic Cystinosis. Identifiers: Orphanet 213, Orphanet 411641, MedGen C2931013, MONDO:0009064, OMIM 219750.

Allele frequency attached by ClinVar (database versions not stated): gnomAD exomes 0.00627; gnomAD 0.05843 and 0.06278; 1000 Genomes Project 0.06190; 1000 Genomes Project 30x 0.06387; TOPMed 0.06503.
gnomAD v4.1: 14,525 of 1,020,708 alleles (1.4%); highest among the groups gnomAD compares: African/African-American, 20%; 1,373 homozygotes.

Submissions (4):

GeneDx
Classification: Benign. Last evaluated: 2018-07-15. Review status: criteria provided, single submitter. Criteria: GeneDx Variant Classification Process June 2021. Collection method: clinical testing. Allele origin: germline. Affected: yes.

Illumina Laboratory Services, Illumina
Classification: Benign for Nephropathic cystinosis. Last evaluated: 2018-01-13. Review status: criteria provided, single submitter. Criteria: ICSL Variant Classification Criteria 13 December 2019. Collection method: clinical testing. Allele origin: germline.
Comment: This variant was observed in the ICSL laboratory as part of a predisposition screen in an ostensibly healthy population. It had not been previously curated by ICSL or reported in the Human Gene Mutation Database (HGMD: prior to June 1st, 2018), and was therefore a candidate for classification through an automated scoring system. Utilizing variant allele frequency, disease prevalence and penetrance estimates, and inheritance mode, an automated score was calculated to assess if this variant is too frequent to cause the disease. Based on the score and internal cut-off values, a variant classified as benign is not then subjected to further curation. The score for this variant resulted in a classification of benign for this disease.

Illumina Laboratory Services, Illumina
Classification: Benign for Ocular cystinosis. Last evaluated: 2018-01-13. Review status: criteria provided, single submitter. Criteria: ICSL Variant Classification Criteria 13 December 2019. Collection method: clinical testing. Allele origin: germline.
Comment: the same text as in the submission from Illumina Laboratory Services, Illumina above.

Breakthrough Genomics
Classification: Benign. Review status: criteria provided, single submitter. Criteria: ACMG Guidelines, 2015. Collection method: not provided. Allele origin: germline. Inheritance: Autosomal recessive inheritance. Affected: yes.

NM_004937.3(CTNS):c.*527G>A

Gene: CTNS (cystinosin, lysosomal cystine transporter; plus strand). Cytogenetic location: 17p13.2.
Variant type: single nucleotide variant.
Coding change: c.*527G>A on transcript NM_004937.3 (MANE Select); 527 bases downstream of the stop codon, G replaced by A.
Molecular consequence: 3 prime UTR variant.
Genome position (GRCh38, 1-based): chr17:3,660,896, G>A. VCF-style: chr17-3660896-G-A. GRCh37 (hg19) VCF-style: chr17-3564190-G-A.
Other names: c.*162G>A (NM_001031681.3, NM_001374492.1); c.*527G>A (NM_001374493.1, NM_001374494.1, NM_001374495.1 and 1 more transcripts).
Identifiers: ClinVar variation 322856 (VCV000322856.9), dbSNP rs79668190, ClinGen allele CA10645476.